The following is an entry in ClinVar:

ClinVar aggregate classification (germline): Uncertain significance (1 of 4 stars; one submission).

Submission:

Labcorp Genetics (formerly Invitae), Labcorp
Classification: Uncertain significance. Last evaluated: 2023-12-11. Review status: criteria provided, single submitter. Criteria: Invitae Variant Classification Sherloc (09022015). Collection method: clinical testing. Allele origin: germline.
Comment: This sequence change replaces alanine, which is neutral and non-polar, with threonine, which is neutral and polar, at codon 317 of the ERCC8 protein (p.Ala317Thr). This variant is not present in population databases (gnomAD no frequency). This variant has not been reported in the literature in individuals affected with ERCC8-related conditions. ClinVar contains an entry for this variant (Variation ID: 2118164). Advanced modeling of protein sequence and biophysical properties (such as structural, functional, and spatial information, amino acid conservation, physicochemical variation, residue mobility, and thermodynamic stability) performed at Invitae indicates that this missense variant is not expected to disrupt ERCC8 protein function with a negative predictive value of 80%. In summary, the available evidence is currently insufficient to determine the role of this variant in disease. Therefore, it has been classified as a Variant of Uncertain Significance.

NM_000082.4(ERCC8):c.949G>A (p.Ala317Thr)

Gene: ERCC8 (ERCC excision repair 8, CSA ubiquitin ligase complex subunit; minus strand). Cytogenetic location: 5q12.1.
Variant type: single nucleotide variant.
Coding change: c.949G>A on transcript NM_000082.4 (MANE Select); coding-DNA position 949, G replaced by A.
Protein change: p.Ala317Thr; replaces alanine 317 with threonine.
Molecular consequence: missense variant.
Genome position (GRCh38, 1-based): chr5:60,890,981, C>T on the plus strand (G>A on the coding strand, the complement: ERCC8 is on the minus strand). VCF-style: chr5-60890981-C-T. GRCh37 (hg19) VCF-style: chr5-60186808-C-T.
Other names: c.775G>A, p.Ala259Thr (NM_001007233.3); c.490G>A, p.Ala164Thr (NM_001290285.2); short protein forms A259T, A164T, A317T.
Identifiers: ClinVar variation 2118164 (VCV002118164.4), dbSNP rs2531770304, ClinGen allele CA359823275.